The following is an entry in ClinVar:

ClinVar aggregate classification (germline): Uncertain significance. Review status: criteria provided, multiple submitters, no conflicts (2 of 4 stars). 2 submissions from 2 submitters: Uncertain significance (2). Last evaluated 2026-01-29.

Conditions:
Inborn genetic diseases. Identifiers: MedGen C0950123, MeSH D030342.

Submissions (2):

Women's Health and Genetics/Laboratory Corporation of America, LabCorp
Classification: Uncertain significance. Last evaluated: 2026-01-29. Review status: criteria provided, single submitter. Criteria: LabCorp Variant Classification Summary - May 2015. Collection method: clinical testing. Allele origin: germline.
Comment: Variant summary: KDM4B c.2493C>G (p.Asn831Lys) results in a non-conservative amino acid change in the encoded protein sequence. Algorithms developed to predict the effect of missense changes on protein structure and function are either unavailable or do not agree on the potential impact of this missense change. The variant was absent in 249284 control chromosomes. The available data on variant occurrences in the general population are insufficient to allow any conclusion about variant significance. To our knowledge, no occurrence of c.2493C>G in individuals affected with KDM4B-related conditions and no experimental evidence demonstrating its impact on protein function have been reported. ClinVar contains an entry for this variant (Variation ID: 4622792). Based on the evidence outlined above, the variant was classified as uncertain significance.

Ambry Genetics
Classification: Uncertain significance for Inborn genetic diseases. Last evaluated: 2025-11-13. Review status: criteria provided, single submitter. Criteria: Ambry Variant Classification Scheme 2023. Collection method: clinical testing. Allele origin: germline.

NM_015015.3(KDM4B):c.2493C>G (p.Asn831Lys)

Gene: KDM4B (lysine demethylase 4B; plus strand). Cytogenetic location: 19p13.3.
Variant type: single nucleotide variant.
Coding change: c.2493C>G on transcript NM_015015.3 (MANE Select); coding-DNA position 2493, C replaced by G.
Protein change: p.Asn831Lys; replaces asparagine 831 with lysine.
Molecular consequence: missense variant.
Genome position (GRCh38, 1-based): chr19:5,138,013, C>G. VCF-style: chr19-5138013-C-G. GRCh37 (hg19) VCF-style: chr19-5138024-C-G.
Other names: c.2595C>G, p.Asn865Lys (NM_001411148.1); short protein forms N865K, N831K.
Identifiers: ClinVar variation 4622792 (VCV004622792.2).